The following is an entry in ClinVar:

NM_001127898.4(CLCN5):c.2087G>A (p.Arg696Gln)

Genes: CLCN5 (chloride voltage-gated channel 5; plus strand), LOC126863258 (BRD4-independent group 4 enhancer GRCh37_chrX:49854497-49855696; plus strand). Cytogenetic location: Xp11.23.
Variant type: single nucleotide variant.
Coding change: c.2087G>A on transcript NM_001127898.4 (MANE Select); coding-DNA position 2087, G replaced by A.
Protein change: p.Arg696Gln; replaces arginine 696 with glutamine.
Molecular consequence: missense variant.
Genome position (GRCh38, 1-based): chrX:50,090,458, G>A. VCF-style: chrX-50090458-G-A. GRCh37 (hg19) VCF-style: chrX-49855115-G-A.
Other names: c.1877G>A, p.Arg626Gln (NM_000084.5); c.2087G>A, p.Arg696Gln (NM_001127899.4); c.1937G>A, p.Arg646Gln (NM_001282163.2); short protein forms R626Q, R646Q, R696Q.
Identifiers: ClinVar variation 1026717 (VCV001026717.9), dbSNP rs1569540500, ClinGen allele CA413190223.

ClinVar aggregate classification (germline): Uncertain significance (1 of 4 stars; one submission).

Allele frequency attached by ClinVar (database versions not stated): gnomAD exomes below 0.00001 and 0.00001.
gnomAD v4.1: 3 of 1,209,266 alleles (0.00025%); highest among the groups gnomAD compares: South Asian, 0.0018%; no homozygotes.

Submission:

Labcorp Genetics (formerly Invitae), Labcorp
Classification: Uncertain significance. Last evaluated: 2020-09-28. Review status: criteria provided, single submitter. Criteria: Invitae Variant Classification Sherloc (09022015). Collection method: clinical testing. Allele origin: germline.
Comment: In summary, the available evidence is currently insufficient to determine the role of this variant in disease. Therefore, it has been classified as a Variant of Uncertain Significance. Algorithms developed to predict the effect of sequence changes on RNA splicing suggest that this variant may create or strengthen a splice site, but this prediction has not been confirmed by published transcriptional studies. Algorithms developed to predict the effect of missense changes on protein structure and function (SIFT, PolyPhen-2, Align-GVGD) all suggest that this variant is likely to be tolerated, but these predictions have not been confirmed by published functional studies and their clinical significance is uncertain. This variant has not been reported in the literature in individuals with CLCN5-related conditions. This variant is not present in population databases (ExAC no frequency). This sequence change replaces arginine with glutamine at codon 626 of the CLCN5 protein (p.Arg626Gln). The arginine residue is moderately conserved and there is a small physicochemical difference between arginine and glutamine.